The following is an entry in ClinVar:

ClinVar aggregate classification (germline): Uncertain significance. Review status: criteria provided, multiple submitters, no conflicts (2 of 4 stars). 2 submissions from 2 submitters: Uncertain significance (2). Last evaluated 2025-10-15.

Conditions:
Inborn genetic diseases. Identifiers: MedGen C0950123, MeSH D030342.

gnomAD v4.1: 28 of 1,613,978 alleles (0.0017%); highest among the groups gnomAD compares: Non-Finnish European, 0.0022%; no homozygotes.

Submissions (2):

Mayo Clinic Laboratories, Mayo Clinic
Classification: Uncertain significance. Last evaluated: 2025-10-15. Review status: criteria provided, single submitter. Criteria: ACMG Guidelines, 2015. Collection method: clinical testing. Allele origin: germline. Observed: 1 variant allele.
Comment: PP3, PM2_supporting

Ambry Genetics
Classification: Uncertain significance for Inborn genetic diseases. Last evaluated: 2023-02-23. Review status: criteria provided, single submitter. Criteria: Ambry Variant Classification Scheme 2023. Collection method: clinical testing. Allele origin: germline.

NM_015665.6(AAAS):c.571C>G (p.Arg191Gly)

Gene: AAAS (aladin WD repeat nucleoporin; minus strand). Cytogenetic location: 12q13.13.
Variant type: single nucleotide variant.
Coding change: c.571C>G on transcript NM_015665.6 (MANE Select); coding-DNA position 571, C replaced by G.
Protein change: p.Arg191Gly; replaces arginine 191 with glycine.
Molecular consequence: missense variant.
Genome position (GRCh38, 1-based): chr12:53,314,416, G>C on the plus strand (C>G on the coding strand, the complement: AAAS is on the minus strand). VCF-style: chr12-53314416-G-C. GRCh37 (hg19) VCF-style: chr12-53708200-G-C.
Other names: p.Arg191Gly; c.472C>G, p.Arg158Gly (NM_001173466.2); short protein forms R158G, R191G.
Identifiers: ClinVar variation 2470690 (VCV002470690.3), dbSNP rs145235560, ClinGen allele CA6599158.